The following is an entry in ClinVar:

NM_006767.4(LZTR1):c.1519C>T (p.Pro507Ser)

Gene: LZTR1 (leucine zipper like post translational regulator 1; plus strand). Cytogenetic location: 22q11.21.
Variant type: single nucleotide variant.
Coding change: c.1519C>T on transcript NM_006767.4 (MANE Select); coding-DNA position 1519, C replaced by T.
Protein change: p.Pro507Ser; replaces proline 507 with serine.
Molecular consequence: missense variant.
Genome position (GRCh38, 1-based): chr22:20,994,173, C>T. VCF-style: chr22-20994173-C-T. GRCh37 (hg19) VCF-style: chr22-21348462-C-T.
Other names: short protein forms P507S.
Identifiers: ClinVar variation 1491734 (VCV001491734.11), dbSNP rs1461135179, ClinGen allele CA410775712.

ClinVar aggregate classification (germline): Uncertain significance. Review status: criteria provided, multiple submitters, no conflicts (2 of 4 stars). 2 submissions from 2 submitters: Uncertain significance (2). Last evaluated 2024-09-20.

Conditions:
Hereditary cancer-predisposing syndrome. Also called: Tumor predisposition; Hereditary neoplastic syndrome; Neoplastic Syndromes, Hereditary; Hereditary Cancer Syndrome. Identifiers: Orphanet 140162, MedGen C0027672, MeSH D009386, MONDO:0015356.
Cardiovascular phenotype. Identifiers: MedGen CN230736.

Allele frequency attached by ClinVar (database versions not stated): gnomAD 0.00001.
gnomAD v4.1: 3 of 1,600,090 alleles (0.00019%); highest among the groups gnomAD compares: Non-Finnish European, 0.00026%; no homozygotes.

Submissions (2):

Labcorp Genetics (formerly Invitae), Labcorp
Classification: Uncertain significance. Last evaluated: 2024-09-20. Review status: criteria provided, single submitter. Criteria: Invitae Variant Classification Sherloc (09022015). Collection method: clinical testing. Allele origin: germline.
Comment: This sequence change replaces proline, which is neutral and non-polar, with serine, which is neutral and polar, at codon 507 of the LZTR1 protein (p.Pro507Ser). The frequency data for this variant in the population databases is considered unreliable, as metrics indicate poor data quality at this position in the gnomAD database. This variant has not been reported in the literature in individuals affected with LZTR1-related conditions. ClinVar contains an entry for this variant (Variation ID: 1491734). Invitae Evidence Modeling of protein sequence and biophysical properties (such as structural, functional, and spatial information, amino acid conservation, physicochemical variation, residue mobility, and thermodynamic stability) indicates that this missense variant is not expected to disrupt LZTR1 protein function with a negative predictive value of 80%. In summary, the available evidence is currently insufficient to determine the role of this variant in disease. Therefore, it has been classified as a Variant of Uncertain Significance.

Ambry Genetics
Classification: Uncertain significance for Cardiovascular phenotype; Hereditary cancer-predisposing syndrome. Last evaluated: 2024-09-01. Review status: criteria provided, single submitter. Criteria: Ambry Variant Classification Scheme 2023. Collection method: clinical testing. Allele origin: germline.
Comment: The p.P507S variant (also known as c.1519C>T), located in coding exon 14 of the LZTR1 gene, results from a C to T substitution at nucleotide position 1519. The proline at codon 507 is replaced by serine, an amino acid with similar properties. This amino acid position is not well conserved in available vertebrate species. In addition, this alteration is predicted to be tolerated by in silico analysis. Since supporting evidence is limited at this time, the clinical significance of this alteration remains unclear.